The following is an entry in ClinVar:

ClinVar aggregate classification (germline): Conflicting classifications of pathogenicity. Review status: criteria provided, conflicting classifications (1 of 4 stars). 4 submissions from 4 submitters: Uncertain significance (1); Likely benign (3). Last evaluated 2025-10-15.

Conditions:
ABCG8-related disorder. Also called: ABCG8-related condition.
Cardiovascular phenotype. Identifiers: MedGen CN230736.

Allele frequency attached by ClinVar (database versions not stated): TOPMed below 0.00001; gnomAD 0.00001; gnomAD exomes 0.00001 and 0.00002; ExAC 0.00002.
gnomAD v4.1: 10 of 1,612,156 alleles (0.00062%); highest among the groups gnomAD compares: African/African-American, 0.0027%; no homozygotes.

Submissions (4):

Labcorp Genetics (formerly Invitae), Labcorp
Classification: Likely benign. Last evaluated: 2025-10-15. Review status: criteria provided, single submitter. Criteria: Invitae Variant Classification Sherloc (09022015). Collection method: clinical testing. Allele origin: germline.

PreventionGenetics, part of Exact Sciences
Classification: Likely benign for ABCG8-related condition. Last evaluated: 2025-02-27. Review status: criteria provided, single submitter. Criteria: ACMG Guidelines, 2015. Collection method: clinical testing. Allele origin: germline.
Comment: This variant is classified as likely benign based on ACMG/AMP sequence variant interpretation guidelines (Richards et al. 2015 PMID: 25741868, with internal and published modifications).

Ambry Genetics
Classification: Likely benign for Cardiovascular phenotype. Last evaluated: 2019-10-29. Review status: criteria provided, single submitter. Criteria: Ambry Variant Classification Scheme 2023. Collection method: clinical testing. Allele origin: germline.

Eurofins Ntd Llc (ga)
Classification: Uncertain significance. Last evaluated: 2017-08-24. Review status: criteria provided, single submitter. Criteria: EGL Classification Definitions 2015. Collection method: clinical testing. Allele origin: germline. Observed: 1 variant allele, 1 heterozygote.

NM_022437.3(ABCG8):c.579G>A (p.Ala193=)

Gene: ABCG8 (ATP binding cassette subfamily G member 8; plus strand). Cytogenetic location: 2p21.
Variant type: single nucleotide variant.
Coding change: c.579G>A on transcript NM_022437.3 (MANE Select); coding-DNA position 579, G replaced by A.
Protein change: p.Ala193=; no amino-acid change (alanine 193 retained).
Molecular consequence: synonymous variant.
Genome position (GRCh38, 1-based): chr2:43,852,371, G>A. VCF-style: chr2-43852371-G-A. GRCh37 (hg19) VCF-style: chr2-44079510-G-A.
Other names: c.579G>A, p.Ala193= (NM_001357321.2).
Identifiers: ClinVar variation 593654 (VCV000593654.9), dbSNP rs747555833, ClinGen allele CA1637079.
Genomic context (GRCh38, chr2:43,852,371, plus strand): 5'-AGGAGGCCCCTGAGGTGGCCTCAAAGCTCCTTCTGGCCCACAGGTGGAGGACGTGATCGC[G>A]GAGCTGCGGCTTAGGCAGTGCGCTGACACCCGCGTGGGCAACATGTACGTGCGGGGGTTG-3'
Protein context (NP_071882.1, residues 183-203): QRDKRVEDVI[Ala193=]ELRLRQCADT